The following is an entry in ClinVar:

ClinVar aggregate classification (germline): Uncertain significance (1 of 4 stars; one submission).

Conditions:
Cardiovascular phenotype. Identifiers: MedGen CN230736.

Allele frequency attached by ClinVar (database versions not stated): ExAC 0.00001; gnomAD 0.00001; gnomAD exomes 0.00001; TOPMed 0.00001; ESP Exome Variant Server 0.00008.
gnomAD v4.1: 11 of 1,613,530 alleles (0.00068%); highest among the groups gnomAD compares: Non-Finnish European, 0.00093%; no homozygotes.

Submission:

Ambry Genetics
Classification: Uncertain significance for Cardiovascular phenotype. Last evaluated: 2025-12-16. Review status: criteria provided, single submitter. Criteria: Ambry Variant Classification Scheme 2023. Collection method: clinical testing. Allele origin: germline.
Comment: The p.Q702R variant (also known as c.2105A>G), located in coding exon 2 of the TNXB gene, results from an A to G substitution at nucleotide position 2105. The glutamine at codon 702 is replaced by arginine, an amino acid with highly similar properties. This amino acid position is conserved. In addition, this alteration is predicted to be tolerated by in silico analysis. Since supporting evidence is limited at this time, the clinical significance of this alteration remains unclear.

NM_001365276.2(TNXB):c.2105A>G (p.Gln702Arg)

Gene: TNXB (tenascin XB; minus strand). Cytogenetic location: 6p21.33.
Variant type: single nucleotide variant.
Coding change: c.2105A>G on transcript NM_001365276.2 (MANE Select); coding-DNA position 2105, A replaced by G.
Protein change: p.Gln702Arg; replaces glutamine 702 with arginine.
Molecular consequence: missense variant.
Genome position (GRCh38, 1-based): chr6:32,095,748, T>C on the plus strand (A>G on the coding strand, the complement: TNXB is on the minus strand). VCF-style: chr6-32095748-T-C. GRCh37 (hg19) VCF-style: chr6-32063525-T-C.
Other names: c.2105A>G, p.Gln702Arg (NM_019105.8); short protein forms Q702R.
Identifiers: ClinVar variation 2624720 (VCV002624720.3), dbSNP rs377105173, ClinGen allele CA3735556.